The following is an entry in ClinVar:

NM_000540.3(RYR1):c.584T>G (p.Met195Arg)

Gene: RYR1 (ryanodine receptor 1; plus strand). Cytogenetic location: 19q13.2.
Variant type: single nucleotide variant.
Coding change: c.584T>G on transcript NM_000540.3 (MANE Select); coding-DNA position 584, T replaced by G.
Protein change: p.Met195Arg; replaces methionine 195 with arginine.
Molecular consequence: missense variant.
Genome position (GRCh38, 1-based): chr19:38,444,630, T>G. VCF-style: chr19-38444630-T-G. GRCh37 (hg19) VCF-style: chr19-38935270-T-G.
Other names: c.584T>G, p.Met195Arg (NM_001042723.2); short protein forms M195R.
Identifiers: ClinVar variation 3074027 (VCV003074027.2), dbSNP rs1232740651, ClinGen allele CA405678401.
Genomic context (GRCh38, chr19:38,444,630, plus strand): 5'-CTGGTGGCCCCCAGCACCTGTCGACCGCCAGTGGGGAGCTCCAGGTTGACGCTTCCTTCA[T>G]GCAGACACTATGGAACATGAACCCCATCTGCTCCCGCTGCGAAGAGGGTGAGGGCCCCAG-3'
Protein context (NP_000531.2, residues 185-205): SGELQVDASF[Met195Arg]QTLWNMNPIC

ClinVar aggregate classification (germline): Uncertain significance. Review status: criteria provided, multiple submitters, no conflicts (2 of 4 stars). 2 submissions from 2 submitters: Uncertain significance (2). Last evaluated 2024-03-22.

Conditions:
Malignant hyperthermia, susceptibility to, 1 (MHS1). Also called: Anesthesia related hyperthermia; Malignant hyperpyrexia; Fulminating hyperpyrexia; Pharmacogenic myopathy; RYR1-Related Malignant Hyperthermia Susceptibility; Malignant hyperthermia suceptibility 1. Identifiers: Orphanet 423, MedGen C2930980, MONDO:0007783, OMIM 145600.

Allele frequency attached by ClinVar (database versions not stated): gnomAD exomes below 0.00001.

Submissions (2):

GeneDx
Classification: Uncertain significance. Last evaluated: 2024-03-22. Review status: criteria provided, single submitter. Criteria: GeneDx Variant Classification Process June 2021. Collection method: clinical testing. Allele origin: germline. Affected: yes.
Comment: Not observed at significant frequency in large population cohorts (gnomAD); In silico analysis supports that this missense variant has a deleterious effect on protein structure/function; Has not been previously published as pathogenic or benign to our knowledge; This variant is associated with the following publications: (PMID: 33767344)

All of Us Research Program, National Institutes of Health
Classification: Uncertain significance for Malignant hyperthermia, susceptibility to, 1. Last evaluated: 2023-12-01. Review status: criteria provided, single submitter. Criteria: ACMG Guidelines, 2015. Collection method: clinical testing. Allele origin: germline. Inheritance: Autosomal dominant inheritance. Observed: 1 variant allele, 1 heterozygote.
Comment: This study involves interpretation of variants in research participants for the purpose of population health screening. Participant phenotype was not available at the time of variant classification. Additional details can be found in publication PMID: 35346344, PMCID: PMC8962531